The following is an entry in ClinVar:

NM_177559.3(CSNK2A1):c.85_86del (p.His29fs)

Gene: CSNK2A1 (casein kinase 2 alpha 1; minus strand). Cytogenetic location: 20p13.
Variant type: Microsatellite.
Coding change: c.85_86del on transcript NM_177559.3 (MANE Select); coding-DNA positions 85 to 86, 2 bases deleted (CA; older notation c.85_86delCA).
Protein change: p.His29fs; shifts the reading frame from histidine 29.
Molecular consequence: frameshift variant. On other transcripts: intron variant (1).
Genome position (GRCh38, 1-based): chr20:508,466-508,467, TG deleted on the plus strand (CA on the coding strand, the reverse complement: CSNK2A1 is on the minus strand); deleting any 2 consecutive bases within chr20:508,466-508,469 gives the same sequence; the c. name uses the placement nearest the transcript's 3' end. VCF-style (leftmost placement, unchanged base first): chr20-508465-ATG-A. GRCh37 (hg19) VCF-style: chr20-489109-ATG-A.
Other names: c.85_86del, p.His29fs (NM_001362770.2, NM_001362771.2, NM_001895.4); c.-307-3238_-307-3237del (NM_177560.3); short protein forms H29fs.
Identifiers: ClinVar variation 3900797 (VCV003900797.1).

ClinVar aggregate classification (germline): Likely pathogenic (1 of 4 stars; one submission).

Submission:

GeneDx
Classification: Likely pathogenic. Last evaluated: 2024-12-02. Review status: criteria provided, single submitter. Criteria: GeneDx Variant Classification Process June 2021. Collection method: clinical testing. Allele origin: germline. Affected: yes.
Comment: De novo variant with confirmed parentage in a proband with seizures and normal brain MRI in published literature; however, the reported clinical features are only partially consistent with the features typically observed in individuals with pathogenic variants in this gene (PMID: 37195306); Not observed at significant frequency in large population cohorts (gnomAD); Frameshift variant predicted to result in protein truncation or nonsense mediated decay in a gene for which loss of function is a known mechanism of disease; This variant is associated with the following publications: (PMID: 37195306)